The following is an entry in ClinVar:

NM_000064.4(C3):c.2156C>T (p.Ala719Val)

Gene: C3 (complement C3; minus strand). Cytogenetic location: 19p13.3.
Variant type: single nucleotide variant.
Coding change: c.2156C>T on transcript NM_000064.4 (MANE Select); coding-DNA position 2156, C replaced by T.
Protein change: p.Ala719Val; replaces alanine 719 with valine.
Molecular consequence: missense variant.
Genome position (GRCh38, 1-based): chr19:6,707,165, G>A on the plus strand (C>T on the coding strand, the complement: C3 is on the minus strand). VCF-style: chr19-6707165-G-A. GRCh37 (hg19) VCF-style: chr19-6707176-G-A.
Other names: short protein forms A719V.
Identifiers: ClinVar variation 2783562 (VCV002783562.4), dbSNP rs765367888, ClinGen allele CA9129181.

ClinVar aggregate classification (germline): Uncertain significance. Review status: criteria provided, multiple submitters, no conflicts (2 of 4 stars). 2 submissions from 2 submitters: Uncertain significance (2). Last evaluated 2024-09-10.

Conditions:
Inborn genetic diseases. Identifiers: MedGen C0950123, MeSH D030342.

Allele frequency attached by ClinVar (database versions not stated): gnomAD exomes below 0.00001; ExAC 0.00001.
gnomAD v4.1: 4 of 1,613,784 alleles (0.00025%); highest among the groups gnomAD compares: South Asian, 0.0011%; no homozygotes.

Submissions (2):

Ambry Genetics
Classification: Uncertain significance for Inborn genetic diseases. Last evaluated: 2024-09-10. Review status: criteria provided, single submitter. Criteria: Ambry Variant Classification Scheme 2023. Collection method: clinical testing. Allele origin: germline.

Labcorp Genetics (formerly Invitae), Labcorp
Classification: Uncertain significance. Last evaluated: 2023-08-28. Review status: criteria provided, single submitter. Criteria: Invitae Variant Classification Sherloc (09022015). Collection method: clinical testing. Allele origin: germline.
Comment: In summary, the available evidence is currently insufficient to determine the role of this variant in disease. Therefore, it has been classified as a Variant of Uncertain Significance. Advanced modeling of protein sequence and biophysical properties (such as structural, functional, and spatial information, amino acid conservation, physicochemical variation, residue mobility, and thermodynamic stability) performed at Invitae indicates that this missense variant is not expected to disrupt C3 protein function. This variant has not been reported in the literature in individuals affected with C3-related conditions. This variant is present in population databases (rs765367888, gnomAD 0.003%). This sequence change replaces alanine, which is neutral and non-polar, with valine, which is neutral and non-polar, at codon 719 of the C3 protein (p.Ala719Val).